The following is an entry in ClinVar:

NM_001481.3(DRC4):c.54C>T (p.Val18=)

Gene: DRC4 (dynein regulatory complex subunit 4; plus strand). Cytogenetic location: 16q24.3.
Variant type: single nucleotide variant.
Coding change: c.54C>T on transcript NM_001481.3 (MANE Select); coding-DNA position 54, C replaced by T.
Protein change: p.Val18=; no amino-acid change (valine 18 retained).
Molecular consequence: synonymous variant. On other transcripts: 5 prime UTR variant (3).
Genome position (GRCh38, 1-based): chr16:90,027,686, C>T. VCF-style: chr16-90027686-C-T. GRCh37 (hg19) VCF-style: chr16-90094094-C-T.
Other names: c.-319C>T (NM_001286205.2); c.-591C>T (NM_001286208.2); c.-22C>T (NM_001286209.2); c.54C>T (NM_001481.2).
Identifiers: ClinVar variation 1556086 (VCV001556086.10), dbSNP rs185349515, ClinGen allele CA8257452.

ClinVar aggregate classification (germline): Likely benign. Review status: criteria provided, single submitter (1 of 4 stars). 2 submissions from 2 submitters: Likely benign (1). 1 of the submissions does not count toward it. Last evaluated 2026-01-25.

Conditions:
GAS8-related disorder. Also called: GAS8-related condition.
Primary ciliary dyskinesia 33. Also called: CILIARY DYSKINESIA, PRIMARY, 33, WITHOUT SITUS INVERSUS. Identifiers: Orphanet 244, MedGen C4225230, MONDO:0014750, OMIM 616726.

Allele frequency attached by ClinVar (database versions not stated): 1000 Genomes Project 30x 0.00016; 1000 Genomes Project 0.00020; TOPMed 0.00021; gnomAD 0.00007.
gnomAD v4.1: 37 of 1,614,178 alleles (0.0023%); highest among the groups gnomAD compares: Admixed American, 0.03%; no homozygotes.

Submissions (2):

Labcorp Genetics (formerly Invitae), Labcorp
Classification: Likely benign for Primary ciliary dyskinesia 33. Last evaluated: 2026-01-25. Review status: criteria provided, single submitter. Criteria: Invitae Variant Classification Sherloc (09022015). Collection method: clinical testing. Allele origin: germline.

PreventionGenetics, part of Exact Sciences
Classification: Likely benign for GAS8-related condition. Last evaluated: 2023-09-08. Review status: no assertion criteria provided. Collection method: clinical testing. Allele origin: germline. Not counted in ClinVar's aggregate classification.
Comment: This variant is classified as likely benign based on ACMG/AMP sequence variant interpretation guidelines (Richards et al. 2015 PMID: 25741868, with internal and published modifications).